The following is an entry in ClinVar:

ClinVar aggregate classification (germline): Uncertain significance (1 of 4 stars; one submission).

Conditions:
Cardiovascular phenotype. Identifiers: MedGen CN230736.

Allele frequency attached by ClinVar (database versions not stated): ExAC 0.00001; gnomAD 0.00001; 1000 Genomes Project 0.00020; 1000 Genomes Project 30x 0.00031.
gnomAD v4.1: 1 of 1,614,188 alleles (0.000062%); highest among the groups gnomAD compares: African/African-American, 0.0013%; no homozygotes.

Submission:

Ambry Genetics
Classification: Uncertain significance for Cardiovascular phenotype. Last evaluated: 2023-09-06. Review status: criteria provided, single submitter. Criteria: Ambry Variant Classification Scheme 2023. Collection method: clinical testing. Allele origin: germline.
Comment: The p.V509L variant (also known as c.1525G>T), located in coding exon 14 of the PRKAG2 gene, results from a G to T substitution at nucleotide position 1525. The valine at codon 509 is replaced by leucine, an amino acid with highly similar properties. This variant has been detected in a hypertrophic cardiomyopathy cohort; however, details were limited (Harper AR et al. Nat Genet, 2021 Feb;53:135-142). This amino acid position is well conserved in available vertebrate species. In addition, the in silico prediction for this alteration is inconclusive. Since supporting evidence is limited at this time, the clinical significance of this alteration remains unclear.

Literature cited by the submitters: PubMed 33495597.

NM_016203.4(PRKAG2):c.1525G>T (p.Val509Leu)

Gene: PRKAG2 (protein kinase AMP-activated non-catalytic subunit gamma 2; minus strand). Cytogenetic location: 7q36.1.
Variant type: single nucleotide variant.
Coding change: c.1525G>T on transcript NM_016203.4 (MANE Select); coding-DNA position 1525, G replaced by T.
Protein change: p.Val509Leu; replaces valine 509 with leucine.
Molecular consequence: missense variant.
Genome position (GRCh38, 1-based): chr7:151,564,137, C>A on the plus strand (G>T on the coding strand, the complement: PRKAG2 is on the minus strand). VCF-style: chr7-151564137-C-A. GRCh37 (hg19) VCF-style: chr7-151261223-C-A.
Other names: c.1393G>T, p.Val465Leu (NM_001040633.2, NM_001407024.1); c.1150G>T, p.Val384Leu (NM_001304527.2, NM_001407029.1); c.802G>T, p.Val268Leu (NM_001304531.2, NM_001407034.1, NM_001407035.1 and 1 more transcripts); c.1153G>T, p.Val385Leu (NM_001363698.2, NM_001407028.1); c.1525G>T, p.Val509Leu (NM_001407021.1); c.1522G>T, p.Val508Leu (NM_001407022.1, NM_001407023.1); c.1390G>T, p.Val464Leu (NM_001407026.1, NM_001407027.1); c.1237G>T, p.Val413Leu (NM_001407030.1); and 6 more; short protein forms V267L, V384L, V401L, V508L, V284L, V412L, V509L, V268L.
Identifiers: ClinVar variation 2587192 (VCV002587192.2), dbSNP rs549954646, ClinGen allele CA055293.